The following is an entry in ClinVar:

ClinVar aggregate classification (germline): Uncertain significance. Review status: criteria provided, multiple submitters, no conflicts (2 of 4 stars). 2 submissions from 2 submitters: Uncertain significance (2). Last evaluated 2025-02-24.

Conditions:
Inborn genetic diseases. Identifiers: MedGen C0950123, MeSH D030342.

Allele frequency attached by ClinVar (database versions not stated): gnomAD 0.00001 and 0.00002; gnomAD exomes 0.00001 and 0.00006; TOPMed 0.00001; ExAC 0.00004; 1000 Genomes Project 30x 0.00016; 1000 Genomes Project 0.00020.
gnomAD v4.1: 17 of 1,614,252 alleles (0.0011%); highest among the groups gnomAD compares: East Asian, 0.033%; no homozygotes.

Submissions (2):

Labcorp Genetics (formerly Invitae), Labcorp
Classification: Uncertain significance. Last evaluated: 2025-02-24. Review status: criteria provided, single submitter. Criteria: Invitae Variant Classification Sherloc (09022015). Collection method: clinical testing. Allele origin: germline.
Comment: This sequence change replaces phenylalanine, which is neutral and non-polar, with valine, which is neutral and non-polar, at codon 220 of the TNFRSF11A protein (p.Phe220Val). This variant is present in population databases (rs200341009, gnomAD 0.07%). This variant has not been reported in the literature in individuals affected with TNFRSF11A-related conditions. ClinVar contains an entry for this variant (Variation ID: 1414340). Invitae Evidence Modeling of protein sequence and biophysical properties (such as structural, functional, and spatial information, amino acid conservation, physicochemical variation, residue mobility, and thermodynamic stability) indicates that this missense variant is expected to disrupt TNFRSF11A protein function with a positive predictive value of 80%. In summary, the available evidence is currently insufficient to determine the role of this variant in disease. Therefore, it has been classified as a Variant of Uncertain Significance.

Ambry Genetics
Classification: Uncertain significance for Inborn genetic diseases. Last evaluated: 2024-01-23. Review status: criteria provided, single submitter. Criteria: Ambry Variant Classification Scheme 2023. Collection method: clinical testing. Allele origin: germline.

NM_003839.4(TNFRSF11A):c.658T>G (p.Phe220Val)

Gene: TNFRSF11A (TNF receptor superfamily member 11a; plus strand). Cytogenetic location: 18q21.33.
Variant type: single nucleotide variant.
Coding change: c.658T>G on transcript NM_003839.4 (MANE Select); coding-DNA position 658, T replaced by G.
Protein change: p.Phe220Val; replaces phenylalanine 220 with valine.
Molecular consequence: missense variant. On other transcripts: intron variant (1).
Genome position (GRCh38, 1-based): chr18:62,361,721, T>G. VCF-style: chr18-62361721-T-G. GRCh37 (hg19) VCF-style: chr18-60028954-T-G.
Other names: c.658T>G, p.Phe220Val (NM_001270949.2, NM_001270950.2); c.616T>G, p.Phe206Val (NM_001278268.2); c.616+1672T>G (NM_001270951.2); c.658T>G (NM_003839.2); short protein forms F220V, F206V.
Identifiers: ClinVar variation 1414340 (VCV001414340.7), dbSNP rs200341009, ClinGen allele CA8983824.